The following is an entry in ClinVar:

ClinVar aggregate classification (germline): Uncertain significance (1 of 4 stars; one submission).

Submission:

GeneDx
Classification: Uncertain significance. Last evaluated: 2025-04-18. Review status: criteria provided, single submitter. Criteria: GeneDx Variant Classification Process June 2021. Collection method: clinical testing. Allele origin: germline. Affected: yes.
Comment: Not observed at significant frequency in large population cohorts (gnomAD); In silico analysis supports that this missense variant has a deleterious effect on protein structure/function; This substitution is predicted to be within the intracellular loop between the S4 and S5 transmembrane segments of the first homologous domain; Has not been previously published as pathogenic or benign to our knowledge

NM_001165963.4(SCN1A):c.730G>A (p.Val244Met)

Gene: SCN1A (sodium voltage-gated channel alpha subunit 1; minus strand). Cytogenetic location: 2q24.3.
Variant type: single nucleotide variant.
Coding change: c.730G>A on transcript NM_001165963.4 (MANE Select); coding-DNA position 730, G replaced by A.
Protein change: p.Val244Met; replaces valine 244 with methionine.
Molecular consequence: missense variant. On other transcripts: 5 prime UTR variant (1), non-coding transcript variant (1).
Genome position (GRCh38, 1-based): chr2:166,051,953, C>T on the plus strand (G>A on the coding strand, the complement: SCN1A is on the minus strand). VCF-style: chr2-166051953-C-T. GRCh37 (hg19) VCF-style: chr2-166908463-C-T.
Other names: c.730G>A, p.Val244Met (NM_001165964.3, NM_001202435.3, NM_001353948.2 and 10 more transcripts); c.-1696G>A (NM_001353961.2); short protein forms V244M.
Identifiers: ClinVar variation 4282224 (VCV004282224.1).